The following is an entry in ClinVar:

NM_014252.4(SLC25A15):c.314+2T>A

Gene: SLC25A15 (solute carrier family 25 member 15; plus strand). Cytogenetic location: 13q14.11.
Variant type: single nucleotide variant.
Coding change: c.314+2T>A on transcript NM_014252.4 (MANE Select); the canonical splice donor site of the intron after coding-DNA position 314, T replaced by A.
Molecular consequence: splice donor variant. On other transcripts: non-coding transcript variant (2).
Genome position (GRCh38, 1-based): chr13:40,799,317, T>A. VCF-style: chr13-40799317-T-A. GRCh37 (hg19) VCF-style: chr13-41373453-T-A.
Identifiers: ClinVar variation 4815646 (VCV004815646.1).

ClinVar aggregate classification (germline): Likely pathogenic (1 of 4 stars; one submission).

Conditions:
Hyperornithinemia-hyperammonemia-homocitrullinuria syndrome (HHHS). Also called: HHH SYNDROME; Ornithine translocase deficiency. Identifiers: Orphanet 415, MedGen C0268540, MONDO:0009393, OMIM 238970.

Submission:

Natera, Inc.
Classification: Likely pathogenic for Hyperornithinemia-hyperammonemia-homocitrullinuria syndrome. Last evaluated: 2024-08-26. Review status: criteria provided, single submitter. Criteria: Natera Variant Classification Schema (03/2026). Collection method: clinical testing. Allele origin: germline.
Comment: The c.314+2T>A variant in SLC25A15 is a canonical splice donor site variant predicted to affect pre-mRNA splicing, which may result in an abnormal transcript and altered protein product. This variant is expected to result in nonsense mediated decay, truncation, or a dysfunctional protein product. This variant is rare in the general population with a frequency below the threshold expected for the associated phenotype(s). Given the available evidence, this variant is classified as Likely Pathogenic.